The following is an entry in ClinVar:

NM_000642.3(AGL):c.994C>T (p.His332Tyr)

Gene: AGL (amylo-alpha-1,6-glucosidase and 4-alpha-glucanotransferase; plus strand). Cytogenetic location: 1p21.2.
Variant type: single nucleotide variant.
Coding change: c.994C>T on transcript NM_000642.3 (MANE Select); coding-DNA position 994, C replaced by T.
Protein change: p.His332Tyr; replaces histidine 332 with tyrosine.
Molecular consequence: missense variant.
Genome position (GRCh38, 1-based): chr1:99,874,722, C>T. VCF-style: chr1-99874722-C-T. GRCh37 (hg19) VCF-style: chr1-100340278-C-T.
Other names: c.994C>T, p.His332Tyr (NM_000028.3, NM_000643.3, NM_000644.3 and 3 more transcripts); c.946C>T, p.His316Tyr (NM_000646.3); c.790C>T, p.His264Tyr (NM_001425328.1, NM_001425329.1); c.616C>T, p.His206Tyr (NM_001425332.1); short protein forms H332Y, H316Y, H206Y, H264Y.
Identifiers: ClinVar variation 2146627 (VCV002146627.3), dbSNP rs757046818, ClinGen allele CA966349.

ClinVar aggregate classification (germline): Uncertain significance. Review status: criteria provided, multiple submitters, no conflicts (2 of 4 stars). 2 submissions from 2 submitters: Uncertain significance (2). Last evaluated 2023-08-21.

Conditions:
Glycogen storage disease type III (GSD3). Also called: Cori disease; FORBES DISEASE. Identifiers: Orphanet 366, MedGen C0017922, MONDO:0009291, OMIM 232400.
Inborn genetic diseases. Identifiers: MedGen C0950123, MeSH D030342.

Allele frequency attached by ClinVar (database versions not stated): ExAC 0.00002; gnomAD 0.00002; gnomAD exomes 0.00003.
gnomAD v4.1: 44 of 1,598,402 alleles (0.0028%); highest among the groups gnomAD compares: South Asian, 0.047%; 2 homozygotes.

Submissions (2):

Ambry Genetics
Classification: Uncertain significance for Inborn genetic diseases. Last evaluated: 2023-08-21. Review status: criteria provided, single submitter. Criteria: Ambry Variant Classification Scheme 2023. Collection method: clinical testing. Allele origin: germline.

Labcorp Genetics (formerly Invitae), Labcorp
Classification: Uncertain significance for Glycogen storage disease type III. Last evaluated: 2021-12-21. Review status: criteria provided, single submitter. Criteria: Invitae Variant Classification Sherloc (09022015). Collection method: clinical testing. Allele origin: germline.
Comment: This sequence change replaces histidine, which is basic and polar, with tyrosine, which is neutral and polar, at codon 332 of the AGL protein (p.His332Tyr). This variant is present in population databases (rs757046818, gnomAD 0.03%). This variant has not been reported in the literature in individuals affected with AGL-related conditions. Algorithms developed to predict the effect of missense changes on protein structure and function (SIFT, PolyPhen-2, Align-GVGD) all suggest that this variant is likely to be tolerated. In summary, the available evidence is currently insufficient to determine the role of this variant in disease. Therefore, it has been classified as a Variant of Uncertain Significance.